The following is an entry in ClinVar:

NM_000081.4(LYST):c.805T>C (p.Cys269Arg)

Gene: LYST (lysosomal trafficking regulator; minus strand). Cytogenetic location: 1q42.3.
Variant type: single nucleotide variant.
Coding change: c.805T>C on transcript NM_000081.4 (MANE Select); coding-DNA position 805, T replaced by C.
Protein change: p.Cys269Arg; replaces cysteine 269 with arginine.
Molecular consequence: missense variant.
Genome position (GRCh38, 1-based): chr1:235,810,013, A>G on the plus strand (T>C on the coding strand, the complement: LYST is on the minus strand). VCF-style: chr1-235810013-A-G. GRCh37 (hg19) VCF-style: chr1-235973313-A-G.
Other names: c.805T>C, p.Cys269Arg (NM_001301365.1); short protein forms C269R.
Identifiers: ClinVar variation 4742855 (VCV004742855.1).

ClinVar aggregate classification (germline): Uncertain significance (1 of 4 stars; one submission).

Conditions:
Chédiak-Higashi syndrome (CHS). Also called: Chediak-Higashi Syndrome. Identifiers: Orphanet 167, MedGen C0007965, MONDO:0008963, OMIM 214500.

Submission:

Labcorp Genetics (formerly Invitae), Labcorp
Classification: Uncertain significance for Chédiak-Higashi syndrome. Last evaluated: 2025-06-04. Review status: criteria provided, single submitter. Criteria: Invitae Variant Classification Sherloc (09022015). Collection method: clinical testing. Allele origin: germline.
Comment: This sequence change replaces cysteine, which is neutral and slightly polar, with arginine, which is basic and polar, at codon 269 of the LYST protein (p.Cys269Arg). This variant is not present in population databases (gnomAD no frequency). This variant has not been reported in the literature in individuals affected with LYST-related conditions. Invitae Evidence Modeling of protein sequence and biophysical properties (such as structural, functional, and spatial information, amino acid conservation, physicochemical variation, residue mobility, and thermodynamic stability) has been performed for this missense variant. However, the output from this modeling did not meet the statistical confidence thresholds required to predict the impact of this variant on LYST protein function. In summary, the available evidence is currently insufficient to determine the role of this variant in disease. Therefore, it has been classified as a Variant of Uncertain Significance.